The following is an entry in ClinVar:

ClinVar aggregate classification (germline): Likely pathogenic (1 of 4 stars; one submission).

Conditions:
Progressive myoclonic epilepsy type 3. Also called: EPILEPSY, PROGRESSIVE MYOCLONIC, 3, WITH OR WITHOUT INTRACELLULAR INCLUSIONS; CEROID LIPOFUSCINOSIS, NEURONAL, 14; EPILEPSY, PROGRESSIVE MYOCLONIC, 3, WITHOUT INTRACELLULAR INCLUSIONS; KCTD7-Related Progressive Myoclonic Epilepsy. Identifiers: Orphanet 263516, MedGen C2673257, MONDO:0012721, OMIM 611726.

Allele frequency attached by ClinVar (database versions not stated): gnomAD exomes below 0.00001.
gnomAD v4.1: 1 of 1,614,124 alleles (0.000062%); highest among the groups gnomAD compares: Non-Finnish European, 0.000085%; no homozygotes.

Submission:

Neuberg Centre For Genomic Medicine, NCGM
Classification: Likely pathogenic for Progressive myoclonic epilepsy type 3. Last evaluated: 2023-02-14. Review status: criteria provided, single submitter. Criteria: ACMG Guidelines, 2015. Collection method: clinical testing. Allele origin: germline. Inheritance: Autosomal recessive inheritance. Affected: yes.
Comment: The stop gain c.295C>T (p.Arg99Ter) variant in KCTD7 gene in homozygous state in three individuals of a single family affected with progressive myoclonic epilespy (Van Bogaert et al. 2007). The c.295C>T variant is reported with an allele frequency of 0.0004% in the gnomAD exomes database and is novel (not in any individuals) in 1000 Genomes database. This variant has been reported to the ClinVar database as Pathogenic. The nucleotide change c.295C>T in KCTD7 is predicted as conserved by GERP++ and PhyloP across 100 vertebrates. This variant is predicted to cause loss of normal protein function through protein truncation. Loss of function variants have been previously reported to be disease causing. Additional studies will be required to prove the pathogenicity of this variant. For these reasons, this variant has been classified as Likely Pathogenic.

NM_153033.5(KCTD7):c.294C>T (p.Asp98=)

Gene: KCTD7 (potassium channel tetramerization domain containing 7; plus strand). Cytogenetic location: 7q11.21.
Variant type: single nucleotide variant.
Coding change: c.294C>T on transcript NM_153033.5 (MANE Select); coding-DNA position 294, C replaced by T.
Protein change: p.Asp98=; no amino-acid change (aspartic acid 98 retained).
Molecular consequence: synonymous variant.
Genome position (GRCh38, 1-based): chr7:66,633,424, C>T. VCF-style: chr7-66633424-C-T. GRCh37 (hg19) VCF-style: chr7-66098411-C-T.
Other names: c.294C>T, p.Asp98= (NM_001167961.2).
Identifiers: ClinVar variation 2671704 (VCV002671704.1), dbSNP rs2535241375, ClinGen allele CA455937416.